The following is an entry in ClinVar:

NM_001384732.1(CPLANE1):c.9374C>T (p.Thr3125Met)

Gene: CPLANE1 (ciliogenesis and planar polarity effector complex subunit 1; minus strand). Cytogenetic location: 5p13.2.
Variant type: single nucleotide variant.
Coding change: c.9374C>T on transcript NM_001384732.1 (MANE Select); coding-DNA position 9374, C replaced by T.
Protein change: p.Thr3125Met; replaces threonine 3125 with methionine.
Molecular consequence: missense variant.
Genome position (GRCh38, 1-based): chr5:37,114,986, G>A on the plus strand (C>T on the coding strand, the complement: CPLANE1 is on the minus strand). VCF-style: chr5-37114986-G-A. GRCh37 (hg19) VCF-style: chr5-37115088-G-A.
Other names: c.9212C>T, p.Thr3071Met (NM_023073.4); c.9212C>T (NM_023073.3); short protein forms T3071M, T3125M.
Identifiers: ClinVar variation 1523371 (VCV001523371.7), dbSNP rs775560336, ClinGen allele CA3237489.

ClinVar aggregate classification (germline): Uncertain significance. Review status: criteria provided, multiple submitters, no conflicts (2 of 4 stars). 3 submissions from 3 submitters: Uncertain significance (3). Last evaluated 2025-03-16.

Conditions:
Joubert syndrome 17 (JBTS17). Identifiers: Orphanet 475, MedGen C3553264, MONDO:0013824, OMIM 614615.
Orofaciodigital syndrome type 6 (OFD6). Also called: Oral-facial-digital syndrome type 6; Central polydactyly cleft lip/palate or lingual lump and psychomotor retardation; Y-shaped central metacarpal and cerebellar defect; Joubert syndrome with orofacialdigital anomalies; POLYDACTYLY, CLEFT LIP/PALATE OR LINGUAL LUMP, AND PSYCHOMOTOR RETARDATION; OROFACIODIGITAL SYNDROME VI. Identifiers: Orphanet 2754, MedGen C2745997, MONDO:0010176, OMIM 277170.

Allele frequency attached by ClinVar (database versions not stated): gnomAD exomes below 0.00001 and 0.00002; ExAC 0.00001; TOPMed 0.00001; gnomAD 0.00004.
gnomAD v4.1: 31 of 1,610,494 alleles (0.0019%); highest among the groups gnomAD compares: South Asian, 0.0044%; no homozygotes.

Submissions (3):

GeneDx
Classification: Uncertain significance. Last evaluated: 2025-03-16. Review status: criteria provided, single submitter. Criteria: GeneDx Variant Classification Process June 2021. Collection method: clinical testing. Allele origin: germline. Affected: yes.
Comment: Not observed at significant frequency in large population cohorts (gnomAD); In silico analysis indicates that this missense variant does not alter protein structure/function; Has not been previously published as pathogenic or benign to our knowledge

Labcorp Genetics (formerly Invitae), Labcorp
Classification: Uncertain significance. Last evaluated: 2024-12-15. Review status: criteria provided, single submitter. Criteria: Invitae Variant Classification Sherloc (09022015). Collection method: clinical testing. Allele origin: germline.
Comment: This sequence change replaces threonine, which is neutral and polar, with methionine, which is neutral and non-polar, at codon 3071 of the CPLANE1 protein (p.Thr3071Met). The frequency data for this variant in the population databases is considered unreliable, as metrics indicate poor data quality at this position in the gnomAD database. This variant has not been reported in the literature in individuals affected with CPLANE1-related conditions. ClinVar contains an entry for this variant (Variation ID: 1523371). Invitae Evidence Modeling of protein sequence and biophysical properties (such as structural, functional, and spatial information, amino acid conservation, physicochemical variation, residue mobility, and thermodynamic stability) indicates that this missense variant is not expected to disrupt CPLANE1 protein function with a negative predictive value of 95%. In summary, the available evidence is currently insufficient to determine the role of this variant in disease. Therefore, it has been classified as a Variant of Uncertain Significance.

Fulgent Genetics
Classification: Uncertain significance for Orofaciodigital syndrome type 6; Joubert syndrome 17. Last evaluated: 2024-06-18. Review status: criteria provided, single submitter. Criteria: ACMG Guidelines, 2015. Collection method: clinical testing. Allele origin: germline.